The following is an entry in ClinVar:

ClinVar aggregate classification (germline): Uncertain significance (1 of 4 stars; one submission).

Conditions:
Early-infantile DEE. Also called: Early infantile epileptic encephalopathy; Early infantile epileptic encephalopathy with suppression bursts; Ohtahara syndrome. Identifiers: Orphanet 1934, MedGen C0393706, MONDO:0800491.

gnomAD v4.1: 6 of 1,597,190 alleles (0.00038%); highest among the groups gnomAD compares: Non-Finnish European, 0.00052%; no homozygotes.

Submission:

Labcorp Genetics (formerly Invitae), Labcorp
Classification: Uncertain significance for Early-infantile DEE. Last evaluated: 2022-09-20. Review status: criteria provided, single submitter. Criteria: Invitae Variant Classification Sherloc (09022015). Collection method: clinical testing. Allele origin: germline.
Comment: This variant is not present in population databases (gnomAD no frequency). This variant has not been reported in the literature in individuals affected with SCN1A-related conditions. Algorithms developed to predict the effect of missense changes on protein structure and function are either unavailable or do not agree on the potential impact of this missense change (SIFT: "Tolerated"; PolyPhen-2: "Probably Damaging"; Align-GVGD: "Class C0"). Algorithms developed to predict the effect of sequence changes on RNA splicing suggest that this variant may create or strengthen a splice site. In summary, the available evidence is currently insufficient to determine the role of this variant in disease. Therefore, it has been classified as a Variant of Uncertain Significance. This sequence change replaces leucine, which is neutral and non-polar, with valine, which is neutral and non-polar, at codon 805 of the SCN1A protein (p.Leu805Val).

NM_001165963.4(SCN1A):c.2413T>G (p.Leu805Val)

Gene: SCN1A (sodium voltage-gated channel alpha subunit 1; minus strand). Cytogenetic location: 2q24.3.
Variant type: single nucleotide variant.
Coding change: c.2413T>G on transcript NM_001165963.4 (MANE Select); coding-DNA position 2413, T replaced by G.
Protein change: p.Leu805Val; replaces leucine 805 with valine.
Molecular consequence: missense variant. On other transcripts: 5 prime UTR variant (1), non-coding transcript variant (1).
Genome position (GRCh38, 1-based): chr2:166,041,233, A>C on the plus strand (T>G on the coding strand, the complement: SCN1A is on the minus strand). VCF-style: chr2-166041233-A-C. GRCh37 (hg19) VCF-style: chr2-166897743-A-C.
Other names: c.2329T>G, p.Leu777Val (NM_001165964.3, NM_001353957.2, NM_001353958.2); c.2413T>G, p.Leu805Val (NM_001202435.3, NM_001353948.2); c.2380T>G, p.Leu794Val (NM_001353949.2, NM_001353950.2, NM_001353951.2 and 2 more transcripts); c.2377T>G, p.Leu793Val (NM_001353954.2, NM_001353955.2); c.2326T>G, p.Leu776Val (NM_001353960.2); c.-46T>G (NM_001353961.2); short protein forms L776V, L793V, L805V, L777V, L794V.
Identifiers: ClinVar variation 2152398 (VCV002152398.4), dbSNP rs2468129557, ClinGen allele CA349063662.
Genomic context (GRCh38, chr2:166,041,233, plus strand): 5'-ACAGTTTTTCAAGCAGAAAATTTGAAGACTAAACACATTTACCTTCCAATATGCTTACCA[A>C]GTTTCCTACTGTAAGCACATTATTGAAATGGTCCGTCATTGGATAGTGCTCCATGGCCAT-3'
Protein context (NP_001159435.1, residues 795-815): HFNNVLTVGN[Leu805Val]VFTGIFTAEM